The following is an entry in ClinVar:

NM_003803.4(MYOM1):c.1064T>C (p.Met355Thr)

Gene: MYOM1 (myomesin 1; minus strand). Cytogenetic location: 18p11.31.
Variant type: single nucleotide variant.
Coding change: c.1064T>C on transcript NM_003803.4 (MANE Select); coding-DNA position 1064, T replaced by C.
Protein change: p.Met355Thr; replaces methionine 355 with threonine.
Molecular consequence: missense variant.
Genome position (GRCh38, 1-based): chr18:3,174,167, A>G on the plus strand (T>C on the coding strand, the complement: MYOM1 is on the minus strand). VCF-style: chr18-3174167-A-G. GRCh37 (hg19) VCF-style: chr18-3174165-A-G.
Other names: c.1064T>C, p.Met355Thr (NM_019856.2); short protein forms M355T.
Identifiers: ClinVar variation 4115964 (VCV004115964.1).

ClinVar aggregate classification (germline): Uncertain significance (1 of 4 stars; one submission).

gnomAD v4.1: 2 of 1,614,056 alleles (0.00012%); highest among the groups gnomAD compares: African/African-American, 0.0013%; no homozygotes.

Submission:

Ambry Genetics
Classification: Uncertain significance. Last evaluated: 2025-06-15. Review status: criteria provided, single submitter. Criteria: Ambry Variant Classification Scheme 2023. Collection method: clinical testing. Allele origin: germline.
Comment: The p.M355T variant (also known as c.1064T>C), located in coding exon 6 of the MYOM1 gene, results from a T to C substitution at nucleotide position 1064. The methionine at codon 355 is replaced by threonine, an amino acid with similar properties. This amino acid position is conserved. In addition, this alteration is predicted to be deleterious by in silico analysis. Based on the available evidence, the clinical significance of this variant remains unclear.